The following is an entry in ClinVar:

ClinVar aggregate classification (germline): Uncertain significance. Review status: criteria provided, multiple submitters, no conflicts (2 of 4 stars). 2 submissions from 2 submitters: Uncertain significance (2). Last evaluated 2025-05-28.

Conditions:
Inborn genetic diseases. Identifiers: MedGen C0950123, MeSH D030342.

Allele frequency attached by ClinVar (database versions not stated): ExAC 0.00001; gnomAD 0.00003; gnomAD exomes 0.00003; TOPMed 0.00006.
gnomAD v4.1: 39 of 1,610,744 alleles (0.0024%); highest among the groups gnomAD compares: African/African-American, 0.004%; no homozygotes.

Submissions (2):

Ambry Genetics
Classification: Uncertain significance for Inborn genetic diseases. Last evaluated: 2025-05-28. Review status: criteria provided, single submitter. Criteria: Ambry Variant Classification Scheme 2023. Collection method: clinical testing. Allele origin: germline.

Labcorp Genetics (formerly Invitae), Labcorp
Classification: Uncertain significance. Last evaluated: 2023-08-17. Review status: criteria provided, single submitter. Criteria: Invitae Variant Classification Sherloc (09022015). Collection method: clinical testing. Allele origin: germline.
Comment: This sequence change replaces arginine, which is basic and polar, with glutamine, which is neutral and polar, at codon 517 of the SPTBN2 protein (p.Arg517Gln). This variant is present in population databases (rs780629380, gnomAD 0.004%). This variant has not been reported in the literature in individuals affected with SPTBN2-related conditions. ClinVar contains an entry for this variant (Variation ID: 1973631). Advanced modeling of protein sequence and biophysical properties (such as structural, functional, and spatial information, amino acid conservation, physicochemical variation, residue mobility, and thermodynamic stability) performed at Invitae indicates that this missense variant is not expected to disrupt SPTBN2 protein function. In summary, the available evidence is currently insufficient to determine the role of this variant in disease. Therefore, it has been classified as a Variant of Uncertain Significance.

NM_006946.4(SPTBN2):c.1550G>A (p.Arg517Gln)

Gene: SPTBN2 (spectrin beta, non-erythrocytic 2; minus strand). Cytogenetic location: 11q13.2.
Variant type: single nucleotide variant.
Coding change: c.1550G>A on transcript NM_006946.4 (MANE Select); coding-DNA position 1550, G replaced by A.
Protein change: p.Arg517Gln; replaces arginine 517 with glutamine.
Molecular consequence: missense variant.
Genome position (GRCh38, 1-based): chr11:66,707,619, C>T on the plus strand (G>A on the coding strand, the complement: SPTBN2 is on the minus strand). VCF-style: chr11-66707619-C-T. GRCh37 (hg19) VCF-style: chr11-66475090-C-T.
Other names: c.1571G>A, p.Arg524Gln (NM_001411025.1); c.1550G>A (NM_006946.2); short protein forms R517Q, R524Q.
Identifiers: ClinVar variation 1973631 (VCV001973631.6), dbSNP rs780629380, ClinGen allele CA6129335.
Genomic context (GRCh38, chr11:66,707,619, plus strand): 5'-AACACCTTCTGCAGCTCCAGGTTGAGGAGGAGCCGCTCCCGCCGGGCGGCCACCATCTGC[C>T]GCAAGAAGTCCCAGAGCCGTGCCACGTTGTGCTGCCGAGCGGCGATGCGCTTGATGTCGT-3'
Protein context (NP_008877.2, residues 507-527): HNVARLWDFL[Arg517Gln]QMVAARRERL